The following is an entry in ClinVar:

ClinVar aggregate classification (germline): Uncertain significance (1 of 4 stars; one submission).

Conditions:
Spondyloepiphyseal dysplasia with congenital joint dislocations (SEDCJD). Also called: Chondrodysplasia with Congenital Joint Dislocations, CHST3-Related. Identifiers: Orphanet 263463, MedGen C1837657, MONDO:0007738, OMIM 143095.

Allele frequency attached by ClinVar (database versions not stated): TOPMed below 0.00001; gnomAD 0.00001; gnomAD exomes 0.00001; ExAC 0.00007.
gnomAD v4.1: 10 of 1,548,816 alleles (0.00065%); highest among the groups gnomAD compares: Middle Eastern, 0.018%; no homozygotes.

Submission:

Labcorp Genetics (formerly Invitae), Labcorp
Classification: Uncertain significance for Spondyloepiphyseal dysplasia with congenital joint dislocations. Last evaluated: 2020-02-21. Review status: criteria provided, single submitter. Criteria: Invitae Variant Classification Sherloc (09022015). Collection method: clinical testing. Allele origin: germline.
Comment: In summary, the available evidence is currently insufficient to determine the role of this variant in disease. Therefore, it has been classified as a Variant of Uncertain Significance. Algorithms developed to predict the effect of sequence changes on RNA splicing suggest that this variant may create or strengthen a splice site, but this prediction has not been confirmed by published transcriptional studies. Algorithms developed to predict the effect of missense changes on protein structure and function do not agree on the potential impact of this missense change (SIFT: "Tolerated"; PolyPhen-2: "Possibly Damaging"; Align-GVGD: "Class C0"). This variant has not been reported in the literature in individuals with CHST3-related disease. While this variant is present in population databases (rs777739643), the frequency information is unreliable, as metrics indicate poor data quality at this position in the ExAC database. This sequence change replaces asparagine with serine at codon 344 of the CHST3 protein (p.Asn344Ser). The asparagine residue is highly conserved and there is a small physicochemical difference between asparagine and serine.

NM_004273.5(CHST3):c.1031A>G (p.Asn344Ser)

Gene: CHST3 (carbohydrate sulfotransferase 3; plus strand). Cytogenetic location: 10q22.1.
Variant type: single nucleotide variant.
Coding change: c.1031A>G on transcript NM_004273.5 (MANE Select); coding-DNA position 1031, A replaced by G.
Protein change: p.Asn344Ser; replaces asparagine 344 with serine.
Molecular consequence: missense variant.
Genome position (GRCh38, 1-based): chr10:72,008,062, A>G. VCF-style: chr10-72008062-A-G. GRCh37 (hg19) VCF-style: chr10-73767820-A-G.
Other names: short protein forms N344S.
Identifiers: ClinVar variation 533429 (VCV000533429.6), dbSNP rs777739643, ClinGen allele CA5548198.